The following is an entry in ClinVar:

ClinVar aggregate classification (germline): Conflicting classifications of pathogenicity. Review status: criteria provided, conflicting classifications (1 of 4 stars). 4 submissions from 4 submitters: Likely pathogenic (1); Uncertain significance (2). 1 of the submissions does not count toward it. Last evaluated 2025-11-07.

Conditions:
Hypertrophic cardiomyopathy 9. Also called: Familial hypertrophic cardiomyopathy 9. Identifiers: MedGen C1861065, MONDO:0013412, OMIM 613765.
Dilated cardiomyopathy 1G (CMD1G). Identifiers: Orphanet 154, MedGen C1858763, MONDO:0011400, OMIM 604145.
Tibial muscular dystrophy (TMD). Also called: UDD MYOPATHY; Tibial muscular dystrophy, tardive; Udd Distal Myopathy – Tibial Muscular Dystrophy. Identifiers: Orphanet 609, MedGen C1838244, MONDO:0010870, OMIM 600334.
Autosomal recessive limb-girdle muscular dystrophy type 2J (LGMDR10). Also called: Limb-girdle muscular dystrophy, type 2J; MUSCULAR DYSTROPHY, LIMB-GIRDLE, AUTOSOMAL RECESSIVE 10. Identifiers: Orphanet 140922, MedGen C1837342, MONDO:0012127, OMIM 608807.
Early-onset myopathy with fatal cardiomyopathy (CMYO5). Also called: Salih Myopathy; CONGENITAL MYOPATHY 5 WITH CARDIOMYOPATHY. Identifiers: Orphanet 289377, MedGen C2673677, MONDO:0012714, OMIM 611705. Disease mechanism: loss of function.
Myopathy, myofibrillar, 9, with early respiratory failure (MFM9). Also called: MYOPATHY, PROXIMAL, WITH EARLY RESPIRATORY MUSCLE INVOLVEMENT; Hereditary myopathy with early respiratory failure; Myopathy, distal, with early respiratory failure, autosomal dominant; EDSTROM MYOPATHY. Identifiers: Orphanet 178464, Orphanet 34521, MedGen C1863599, MONDO:0011362, OMIM 603689.
TTN-related disorder. Also called: TTN-related disorders; TTN-related condition; TTN-related disease.
Cardiomyopathy (CMYO). Also called: Cardiomyopathies. Identifiers: Orphanet 167848, MedGen C0878544, MONDO:0004994, HP:0001638. Inheritance: Various modes of inheritance.

Submissions (4):

GeneDx
Classification: Likely pathogenic. Last evaluated: 2025-11-07. Review status: criteria provided, single submitter. Criteria: GeneDx Variant Classification Process June 2021. Collection method: clinical testing. Allele origin: germline. Affected: yes.
Comment: Has not been previously published as pathogenic or benign to our knowledge; Not observed at significant frequency in large population cohorts (gnomAD); Frameshift variant predicted to result in protein truncation or nonsense mediated decay in a gene or region of a gene for which loss of function is not a well-established mechanism of disease

Fulgent Genetics
Classification: Uncertain significance for Tibial muscular dystrophy; Myopathy, myofibrillar, 9, with early respiratory failure; Dilated cardiomyopathy 1G; Autosomal recessive limb-girdle muscular dystrophy type 2J; Early-onset myopathy with fatal cardiomyopathy; Hypertrophic cardiomyopathy 9. Last evaluated: 2024-05-13. Review status: criteria provided, single submitter. Criteria: ACMG Guidelines, 2015. Collection method: clinical testing. Allele origin: germline.

CHEO Genetics Diagnostic Laboratory, Children's Hospital of Eastern Ontario
Classification: Uncertain significance for Cardiomyopathy. Last evaluated: 2020-06-15. Review status: criteria provided, single submitter. Criteria: ACMG Guidelines, 2015. Collection method: clinical testing. Allele origin: germline.

PreventionGenetics, part of Exact Sciences
Classification: Likely pathogenic for TTN-related condition. Last evaluated: 2024-08-20. Review status: no assertion criteria provided. Collection method: clinical testing. Allele origin: germline. Not counted in ClinVar's aggregate classification.
Comment: The TTN c.34251_34276delinsG variant is predicted to result in a frameshift and premature protein termination (p.Leu11418Glnfs*42). At PreventionGenetics, we have observed the c.34251_34276delinsG variant in an unrelated family with a history of a severe congenital titinopathy (internal database). This variant has been reported by other laboratories in ClinVar as uncertain and likely pathogenic. This variant is located in the TTN protein I-band region. RNAseq studies from heart tissue indicate this exon is not commonly included in TTN mRNA transcripts (PSI of 2%-10%); however, this analysis in muscle tissue was not performed (Roberts A.M. et al. 2015. PMID: 25589632). TTN truncating variants are reported in 1-2% of presumably healthy individuals and occur more frequently in exons with low PSI values (Roberts A.M. et al. 2015. PMID: 25589632; Herman D.S. et al. 2012. PMID: 22335739). However, many cases of recessive congenital titinopathies in which the individual is compound heterozygous for two loss of function variants in TTN have also been reported (See Ceyhan-Birsoy O. et al. 2013. PMID: 23975875; Chauveau C et al. 2014. PMID: 24105469; Evilä A et al. 2016. PMID: 27796757; Ge et al. 2019. PubMed ID: 31053406; Bryen et al. 2020. PubMed ID: 31660661). In summary, the c.34251_34276delinsG variant is likely pathogenic for autosomal recessive TTN-related disorders. However, it is uncertain if this variant would be causative for autosomal dominant TTN-related disorders.

NM_001267550.2(TTN):c.34251_34276delinsG (p.Leu11418fs)

Gene: TTN (titin; minus strand). Cytogenetic location: 2q31.2.
Variant type: Indel.
Coding change: c.34251_34276delinsG on transcript NM_001267550.2 (MANE Select); coding-DNA positions 34251 to 34276, CCTTCCAGAAGTTAAACCTAAGGTGC replaced by G.
Protein change: p.Leu11418fs; shifts the reading frame from leucine 11418.
Molecular consequence: frameshift variant. On other transcripts: intron variant (3).
Genome position (GRCh38, 1-based): chr2:178,677,636-178,677,661, GCACCTTAGGTTTAACTTCTGGAAGG replaced by C on the plus strand (CCTTCCAGAAGTTAAACCTAAGGTGC replaced by G on the coding strand, the reverse complement: TTN is on the minus strand). VCF-style: chr2-178677636-GCACCTTAGGTTTAACTTCTGGAAGG-C. GRCh37 (hg19) VCF-style: chr2-179542363-GCACCTTAGGTTTAACTTCTGGAAGG-C.
Other names: c.33300_33325delinsG, p.Leu11101fs (NM_001256850.1); c.30519_30544delinsG, p.Leu10174fs (NM_133378.4); c.13283-35344_13283-35319delinsG (NM_003319.4); c.13859-35344_13859-35319delinsG (NM_133437.4); c.13658-35344_13658-35319delinsG (NM_133432.3); c.34251_34276delinsG (NM_001267550.1); short protein forms L10174fs, L11101fs, L11418fs.
Identifiers: ClinVar variation 1329141 (VCV001329141.6), dbSNP rs2154268608, ClinGen allele CA2573051796.